The following is an entry in ClinVar:

NM_003680.4(YARS1):c.1140+4C>G

Gene: YARS1 (tyrosyl-tRNA synthetase 1; minus strand). Cytogenetic location: 1p35.1.
Variant type: single nucleotide variant.
Coding change: c.1140+4C>G on transcript NM_003680.4 (MANE Select); 4 bases into the intron after coding-DNA position 1140, C replaced by G.
Molecular consequence: intron variant.
Genome position (GRCh38, 1-based): chr1:32,781,044, G>C on the plus strand (C>G on the coding strand, the complement: YARS1 is on the minus strand). VCF-style: chr1-32781044-G-C. GRCh37 (hg19) VCF-style: chr1-33246645-G-C.
Identifiers: ClinVar variation 2745923 (VCV002745923.3), dbSNP rs377642509, ClinGen allele CA2473063538.

ClinVar aggregate classification (germline): Uncertain significance (1 of 4 stars; one submission).

Conditions:
Charcot-Marie-Tooth disease dominant intermediate C (CMTDIC). Also called: CHARCOT-MARIE-TOOTH NEUROPATHY, DOMINANT INTERMEDIATE C. Identifiers: Orphanet 100045, MedGen C1842237, MONDO:0012012, OMIM 608323.

Submission:

Labcorp Genetics (formerly Invitae), Labcorp
Classification: Uncertain significance for Charcot-Marie-Tooth disease dominant intermediate C. Last evaluated: 2023-07-22. Review status: criteria provided, single submitter. Criteria: Invitae Variant Classification Sherloc (09022015). Collection method: clinical testing. Allele origin: germline.
Comment: This variant is not present in population databases (gnomAD no frequency). This sequence change falls in intron 10 of the YARS gene. It does not directly change the encoded amino acid sequence of the YARS protein. It affects a nucleotide within the consensus splice site. This variant has not been reported in the literature in individuals affected with YARS-related conditions. Variants that disrupt the consensus splice site are a relatively common cause of aberrant splicing (PMID: 17576681, 9536098). Algorithms developed to predict the effect of sequence changes on RNA splicing suggest that this variant is not likely to affect RNA splicing. In summary, the available evidence is currently insufficient to determine the role of this variant in disease. Therefore, it has been classified as a Variant of Uncertain Significance.

Literature cited by the submitters: PubMed 17576681; PubMed 9536098.